The following is an entry in ClinVar:

NM_001111.5(ADAR):c.1934+8C>T

Gene: ADAR (adenosine deaminase RNA specific; minus strand). Cytogenetic location: 1q21.3.
Variant type: single nucleotide variant.
Coding change: c.1934+8C>T on transcript NM_001111.5 (MANE Select); 8 bases into the intron after coding-DNA position 1934, C replaced by T.
Molecular consequence: intron variant.
Genome position (GRCh38, 1-based): chr1:154,597,820, G>A on the plus strand (C>T on the coding strand, the complement: ADAR is on the minus strand). VCF-style: chr1-154597820-G-A. GRCh37 (hg19) VCF-style: chr1-154570296-G-A.
Other names: c.1934+8C>T (LRG_1212t1, NM_015841.4, NM_015840.4); c.1049+8C>T (NM_001365046.1, NM_001025107.3, NM_001365048.1 and 3 more transcripts); c.1961+8C>T (NM_001365045.1).
Identifiers: ClinVar variation 292770 (VCV000292770.48), dbSNP rs376025865, ClinGen allele CA1131426.
Genomic context (GRCh38, chr1:154,597,820, plus strand): 5'-AGGAAGAAAATGTGTCTCTTTTTCTTTCTGAGAAAACCTCAGCTGGACAGAGGACACGTA[G>A]GACATACTTGGGTTCATGGGCAGGGCCTTCTTTGGACAGGAGACGGAATTCGCAGGAGTT-3'

ClinVar aggregate classification (germline): Benign/Likely benign. Review status: criteria provided, multiple submitters, no conflicts (2 of 4 stars). 6 submissions from 6 submitters: Benign (2); Likely benign (3). 1 of the submissions does not count toward it. Last evaluated 2026-02-01.

Conditions:
ADAR-related disorder. Also called: ADAR-related condition; ADAR-related disorders.
Symmetrical dyschromatosis of extremities (DSH). Also called: SYMMETRIC DYSCHROMATOSIS OF THE EXTREMITIES; Dyschromatosis symmetrica hereditaria; DYSCHROMATOSIS SYMMETRICA HEREDITARIA 1; RETICULATE ACROPIGMENTATION OF DOHI. Identifiers: Orphanet 41, MedGen C0406775, MONDO:0007483, OMIM 127400.
Aicardi-Goutieres syndrome 6 (AGS6). Identifiers: Orphanet 51, MedGen C3539013, MONDO:0014007, OMIM 615010.

Allele frequency attached by ClinVar (database versions not stated): gnomAD 0.00013; ESP Exome Variant Server 0.00015; TOPMed 0.00017; gnomAD exomes 0.00021; ExAC 0.00024.

Submissions (6):

Labcorp Genetics (formerly Invitae), Labcorp
Classification: Likely benign for Aicardi-Goutieres syndrome 6; Symmetrical dyschromatosis of extremities. Last evaluated: 2026-02-01. Review status: criteria provided, single submitter. Criteria: Invitae Variant Classification Sherloc (09022015). Collection method: clinical testing. Allele origin: germline.

Blueprint Genetics
Classification: Likely benign. Last evaluated: 2024-11-13. Review status: criteria provided, single submitter. Criteria: ACMG Guidelines, 2015. Collection method: clinical testing. Allele origin: germline.

CeGaT Center for Human Genetics Tuebingen
Classification: Likely benign. Last evaluated: 2023-10-01. Review status: criteria provided, single submitter. Criteria: CeGaT Center For Human Genetics Tuebingen Variant Classification Criteria Version 2. Collection method: clinical testing. Allele origin: germline. Affected: yes. Observed: 2 variant alleles.
Comment: ADAR: BP4

Genome-Nilou Lab
Classification: Benign for Aicardi-Goutieres syndrome 6. Last evaluated: 2023-04-11. Review status: criteria provided, single submitter. Criteria: ACMG Guidelines, 2015. Collection method: clinical testing. Allele origin: germline. Affected: no.

Illumina Laboratory Services, Illumina
Classification: Benign for Symmetrical dyschromatosis of extremities. Last evaluated: 2018-01-13. Review status: criteria provided, single submitter. Criteria: ICSL Variant Classification Criteria 13 December 2019. Collection method: clinical testing. Allele origin: germline.
Comment: This variant was observed in the ICSL laboratory as part of a predisposition screen in an ostensibly healthy population. It had not been previously curated by ICSL or reported in the Human Gene Mutation Database (HGMD: prior to June 1st, 2018), and was therefore a candidate for classification through an automated scoring system. Utilizing variant allele frequency, disease prevalence and penetrance estimates, and inheritance mode, an automated score was calculated to assess if this variant is too frequent to cause the disease. Based on the score and internal cut-off values, a variant classified as benign is not then subjected to further curation. The score for this variant resulted in a classification of benign for this disease.

PreventionGenetics, part of Exact Sciences
Classification: Likely benign for ADAR-related condition. Last evaluated: 2019-09-17. Review status: no assertion criteria provided. Collection method: clinical testing. Allele origin: germline. Not counted in ClinVar's aggregate classification.
Comment: This variant is classified as likely benign based on ACMG/AMP sequence variant interpretation guidelines (Richards et al. 2015 PMID: 25741868, with internal and published modifications).